The following is an entry in ClinVar:

ClinVar aggregate classification (germline): Likely benign (0 of 4 stars; one submission).

Conditions:
AP1B1-related disorder. Also called: AP1B1-related condition.

Allele frequency attached by ClinVar (database versions not stated): ExAC 0.00002; gnomAD 0.00002; TOPMed 0.00002.
gnomAD v4.1: 15 of 1,600,042 alleles (0.00094%); highest among the groups gnomAD compares: Admixed American, 0.021%; no homozygotes.

Submission:

PreventionGenetics, part of Exact Sciences
Classification: Likely benign for AP1B1-related condition. Last evaluated: 2020-04-24. Review status: no assertion criteria provided. Collection method: clinical testing. Allele origin: germline.
Comment: This variant is classified as likely benign based on ACMG/AMP sequence variant interpretation guidelines (Richards et al. 2015 PMID: 25741868, with internal and published modifications).

NM_001127.4(AP1B1):c.2164-8C>T

Gene: AP1B1 (adaptor related protein complex 1 subunit beta 1; minus strand). Cytogenetic location: 22q12.2.
Variant type: single nucleotide variant.
Coding change: c.2164-8C>T on transcript NM_001127.4 (MANE Select); 8 bases into the intron before coding-DNA position 2164, C replaced by T.
Molecular consequence: intron variant.
Genome position (GRCh38, 1-based): chr22:29,334,418, G>A on the plus strand (C>T on the coding strand, the complement: AP1B1 is on the minus strand). VCF-style: chr22-29334418-G-A. GRCh37 (hg19) VCF-style: chr22-29730407-G-A.
Other names: c.1972-8C>T (NM_001378565.1); c.1993-8C>T (NM_001378564.1); c.1957-8C>T (NM_001378566.1); c.2143-68C>T (NM_001166019.2); c.2143-8C>T (NM_145730.3, NM_001378563.1); c.2164-8C>T (NM_001378562.1).
Identifiers: ClinVar variation 3054018 (VCV003054018.2), dbSNP rs775761249, ClinGen allele CA10172903.